The following is an entry in ClinVar:

NM_003680.4(YARS1):c.1487A>G (p.Lys496Arg)

Gene: YARS1 (tyrosyl-tRNA synthetase 1; minus strand). Cytogenetic location: 1p35.1.
Variant type: single nucleotide variant.
Coding change: c.1487A>G on transcript NM_003680.4 (MANE Select); coding-DNA position 1487, A replaced by G.
Protein change: p.Lys496Arg; replaces lysine 496 with arginine.
Molecular consequence: missense variant.
Genome position (GRCh38, 1-based): chr1:32,776,081, T>C on the plus strand (A>G on the coding strand, the complement: YARS1 is on the minus strand). VCF-style: chr1-32776081-T-C. GRCh37 (hg19) VCF-style: chr1-33241682-T-C.
Other names: short protein forms K496R.
Identifiers: ClinVar variation 464874 (VCV000464874.8), dbSNP rs768160751, ClinGen allele CA744873.
Genomic context (GRCh38, chr1:32,776,081, plus strand): 5'-GAGCCCAGCTTGGTCATGAAGTTGGTTTGCTTCCACTGTGCGATGCACTCCTCAGAAATT[T>C]TGAAGTCAGCCTGGACAAGACAGATAAGAGAGATTTTAATGATGGTGGTGGGACTGCAAG-3'
Protein context (NP_003671.1, residues 486-506): KVFEKLQADF[Lys496Arg]ISEECIAQWK

ClinVar aggregate classification (germline): Uncertain significance. Review status: criteria provided, multiple submitters, no conflicts (2 of 4 stars). 2 submissions from 2 submitters: Uncertain significance (2). Last evaluated 2024-12-25.

Conditions:
Inborn genetic diseases. Identifiers: MedGen C0950123, MeSH D030342.
Charcot-Marie-Tooth disease dominant intermediate C (CMTDIC). Also called: CHARCOT-MARIE-TOOTH NEUROPATHY, DOMINANT INTERMEDIATE C. Identifiers: Orphanet 100045, MedGen C1842237, MONDO:0012012, OMIM 608323.

Allele frequency attached by ClinVar (database versions not stated): gnomAD 0.00001 and 0.00002; gnomAD exomes 0.00001; ExAC 0.00002; TOPMed 0.00006.
gnomAD v4.1: 16 of 1,613,746 alleles (0.00099%); highest among the groups gnomAD compares: Admixed American, 0.005%; no homozygotes.

Submissions (2):

Ambry Genetics
Classification: Uncertain significance for Inborn genetic diseases. Last evaluated: 2024-12-25. Review status: criteria provided, single submitter. Criteria: Ambry Variant Classification Scheme 2023. Collection method: clinical testing. Allele origin: germline.

Labcorp Genetics (formerly Invitae), Labcorp
Classification: Uncertain significance for Charcot-Marie-Tooth disease dominant intermediate C. Last evaluated: 2024-03-11. Review status: criteria provided, single submitter. Criteria: Invitae Variant Classification Sherloc (09022015). Collection method: clinical testing. Allele origin: germline.
Comment: This sequence change replaces lysine, which is basic and polar, with arginine, which is basic and polar, at codon 496 of the YARS protein (p.Lys496Arg). This variant is present in population databases (rs768160751, gnomAD 0.01%). This variant has not been reported in the literature in individuals affected with YARS-related conditions. ClinVar contains an entry for this variant (Variation ID: 464874). Advanced modeling of protein sequence and biophysical properties (such as structural, functional, and spatial information, amino acid conservation, physicochemical variation, residue mobility, and thermodynamic stability) performed at Invitae indicates that this missense variant is not expected to disrupt YARS protein function with a negative predictive value of 80%. In summary, the available evidence is currently insufficient to determine the role of this variant in disease. Therefore, it has been classified as a Variant of Uncertain Significance.